The following is an entry in ClinVar:

NM_005609.4(PYGM):c.505C>G (p.Gln169Glu)

Gene: PYGM (glycogen phosphorylase, muscle associated; minus strand). Cytogenetic location: 11q13.1.
Variant type: single nucleotide variant.
Coding change: c.505C>G on transcript NM_005609.4 (MANE Select); coding-DNA position 505, C replaced by G.
Protein change: p.Gln169Glu; replaces glutamine 169 with glutamic acid.
Molecular consequence: missense variant. On other transcripts: intron variant (1).
Genome position (GRCh38, 1-based): chr11:64,758,269, G>C on the plus strand (C>G on the coding strand, the complement: PYGM is on the minus strand). VCF-style: chr11-64758269-G-C. GRCh37 (hg19) VCF-style: chr11-64525741-G-C.
Other names: c.244-3C>G (NM_001164716.1); short protein forms Q169E.
Identifiers: ClinVar variation 3384990 (VCV003384990.1).

ClinVar aggregate classification (germline): Uncertain significance (1 of 4 stars; one submission).

gnomAD v4.1: 1 of 1,613,728 alleles (0.000062%); highest among the groups gnomAD compares: Admixed American, 0.0017%; no homozygotes.

Submission:

Women's Health and Genetics/Laboratory Corporation of America, LabCorp
Classification: Uncertain significance. Last evaluated: 2024-10-02. Review status: criteria provided, single submitter. Criteria: LabCorp Variant Classification Summary - May 2015. Collection method: clinical testing. Allele origin: germline.
Comment: Variant summary: PYGM c.505C>G (p.Gln169Glu) results in a conservative amino acid change in the encoded protein sequence. Four of five in-silico tools predict a damaging effect of the variant on protein function. The variant allele was found at a frequency of 4e-06 in 251468 control chromosomes (gnomAD). The available data on variant occurrences in the general population are insufficient to allow any conclusion about variant significance. To our knowledge, no occurrence of c.505C>G in individuals affected with Glycogen Storage Disease, Type V and no experimental evidence demonstrating its impact on protein function have been reported. No submitters have cited clinical-significance assessments for this variant to ClinVar. Based on the evidence outlined above, the variant was classified as uncertain significance.